The following is an entry in ClinVar:

NM_002103.5(GYS1):c.2169C>A (p.Ser723Arg)

Gene: GYS1 (glycogen synthase 1; minus strand). Cytogenetic location: 19q13.33.
Variant type: single nucleotide variant.
Coding change: c.2169C>A on transcript NM_002103.5 (MANE Select); coding-DNA position 2169, C replaced by A.
Protein change: p.Ser723Arg; replaces serine 723 with arginine.
Molecular consequence: missense variant. On other transcripts: non-coding transcript variant (1).
Genome position (GRCh38, 1-based): chr19:48,969,333, G>T on the plus strand (C>A on the coding strand, the complement: GYS1 is on the minus strand). VCF-style: chr19-48969333-G-T. GRCh37 (hg19) VCF-style: chr19-49472590-G-T.
Other names: c.1977C>A, p.Ser659Arg (NM_001161587.2); short protein forms S659R, S723R.
Identifiers: ClinVar variation 2739806 (VCV002739806.5), dbSNP rs1406106140, ClinGen allele CA406759076.

ClinVar aggregate classification (germline): Uncertain significance. Review status: criteria provided, multiple submitters, no conflicts (2 of 4 stars). 2 submissions from 2 submitters: Uncertain significance (2). Last evaluated 2026-06-01.

Conditions:
Glycogen storage disease due to muscle and heart glycogen synthase deficiency. Also called: GSD 0b; MUSCLE GLYCOGEN SYNTHASE DEFICIENCY. Identifiers: Orphanet 137625, MedGen C1969054, MONDO:0012693, OMIM 611556.

gnomAD v4.1: 3 of 1,583,522 alleles (0.00019%); highest among the groups gnomAD compares: African/African-American, 0.0013%; no homozygotes.

Submissions (2):

CeGaT Center for Human Genetics Tuebingen
Classification: Uncertain significance. Last evaluated: 2026-06-01. Review status: criteria provided, single submitter. Criteria: CeGaT Center For Human Genetics Tuebingen Variant Classification Criteria Version 2. Collection method: clinical testing. Allele origin: germline. Affected: yes. Observed: 1 variant allele.
Comment: GYS1: PM2

Labcorp Genetics (formerly Invitae), Labcorp
Classification: Uncertain significance for Glycogen storage disease due to muscle and heart glycogen synthase deficiency. Last evaluated: 2023-07-29. Review status: criteria provided, single submitter. Criteria: Invitae Variant Classification Sherloc (09022015). Collection method: clinical testing. Allele origin: germline.
Comment: This sequence change replaces serine, which is neutral and polar, with arginine, which is basic and polar, at codon 723 of the GYS1 protein (p.Ser723Arg). The frequency data for this variant in the population databases is considered unreliable, as metrics indicate poor data quality at this position in the gnomAD database. This variant has not been reported in the literature in individuals affected with GYS1-related conditions. Experimental studies and prediction algorithms are not available or were not evaluated, and the functional significance of this variant is currently unknown. In summary, the available evidence is currently insufficient to determine the role of this variant in disease. Therefore, it has been classified as a Variant of Uncertain Significance.